The following is an entry in ClinVar:

NM_014845.6(FIG4):c.573del (p.Glu192fs)

Gene: FIG4 (FIG4 phosphoinositide 5-phosphatase; plus strand). Cytogenetic location: 6q21.
Variant type: Deletion.
Coding change: c.573del on transcript NM_014845.6 (MANE Select); coding-DNA position 573, one base deleted (A; older notation c.573delA).
Protein change: p.Glu192fs; shifts the reading frame from glutamic acid 192.
Molecular consequence: frameshift variant.
Genome position (GRCh38, 1-based): chr6:109,735,225, A deleted. VCF-style (leftmost placement, unchanged base first): chr6-109735224-CA-C. GRCh37 (hg19) VCF-style: chr6-110056427-CA-C.
Other names: short protein forms E192fs.
Identifiers: ClinVar variation 4893737 (VCV004893737.3).

ClinVar aggregate classification (germline): Pathogenic/Likely pathogenic. Review status: criteria provided, multiple submitters, no conflicts (2 of 4 stars). 2 submissions from 2 submitters: Pathogenic (1); Likely pathogenic (1). Last evaluated 2020-09-01.

Conditions:
Amyotrophic lateral sclerosis type 11 (ALS11). Identifiers: Orphanet 803, MedGen C2675491, MONDO:0012945, OMIM 612577.
Bilateral parasagittal parieto-occipital polymicrogyria. Also called: Polymicrogyria, bilateral temporooccipital. Identifiers: Orphanet 208441, MedGen C4013648, MONDO:0012986, OMIM 612691.
Yunis-Varon syndrome (YVS). Also called: Cleidocranial dysplasia, micrognathia, absent thumbs, & distal aphalangia. Identifiers: Orphanet 3472, MedGen C1857663, MONDO:0008995, OMIM 216340.
Charcot-Marie-Tooth disease type 4J (CMT4J). Also called: Charcot-Marie-Tooth Neuropathy Type 4J; CHARCOT-MARIE-TOOTH DISEASE, AUTOSOMAL RECESSIVE, TYPE 4J; CHARCOT-MARIE-TOOTH DISEASE, DEMYELINATING, TYPE 4J. Identifiers: Orphanet 139515, MedGen C1970011, MONDO:0012640, OMIM 611228.
FIG4-related disorder. Also called: FIG4-related condition; FIG4-related disorders.

Submissions (2):

Blueprint Genetics
Classification: Likely pathogenic for FIG4-related disorders. Last evaluated: 2020-09-01. Review status: criteria provided, single submitter. Criteria: ACMG Guidelines, 2015. Collection method: clinical testing. Allele origin: germline. Affected: yes. Observed: 1 variant allele.

Juno Genomics, Hangzhou Juno Genomics, Inc
Classification: Pathogenic for Bilateral parasagittal parieto-occipital polymicrogyria; Amyotrophic lateral sclerosis type 11; Charcot-Marie-Tooth disease type 4J; Yunis-Varon syndrome. Review status: criteria provided, single submitter. Criteria: ACMG Guidelines, 2015. Collection method: clinical testing. Allele origin: germline.
Comment: Absent from controls (or at extremely low frequency if recessive) in Genome Aggregation Database.;Null variant in a gene where loss of function (LOF) is a known mechanism of disease.;For recessive disorders, detected in trans with a pathogenic variant.